The following is an entry in ClinVar:

NM_015978.3(TNNI3K):c.1595C>A (p.Pro532His)

Genes: FPGT-TNNI3K (FPGT-TNNI3K readthrough; plus strand), TNNI3K (TNNI3 interacting kinase; plus strand). Cytogenetic location: 1p31.1.
Variant type: single nucleotide variant.
Coding change: c.1595C>A on transcript NM_015978.3 (MANE Select); coding-DNA position 1595, C replaced by A.
Protein change: p.Pro532His; replaces proline 532 with histidine.
Molecular consequence: missense variant.
Genome position (GRCh38, 1-based): chr1:74,369,513, C>A. VCF-style: chr1-74369513-C-A. GRCh37 (hg19) VCF-style: chr1-74835197-C-A.
Other names: c.1898C>A, p.Pro633His (NM_001112808.3, NM_001199327.2); short protein forms P532H, P633H.
Identifiers: ClinVar variation 1967546 (VCV001967546.5), dbSNP rs1261212852, ClinGen allele CA340786317.

ClinVar aggregate classification (germline): Uncertain significance (1 of 4 stars; one submission).

gnomAD v4.1: 5 of 1,612,606 alleles (0.00031%); highest among the groups gnomAD compares: Admixed American, 0.0017%; no homozygotes.

Submission:

Labcorp Genetics (formerly Invitae), Labcorp
Classification: Uncertain significance. Last evaluated: 2024-06-22. Review status: criteria provided, single submitter. Criteria: Invitae Variant Classification Sherloc (09022015). Collection method: clinical testing. Allele origin: germline.
Comment: This sequence change replaces proline, which is neutral and non-polar, with histidine, which is basic and polar, at codon 532 of the TNNI3K protein (p.Pro532His). This variant is not present in population databases (gnomAD no frequency). This variant has not been reported in the literature in individuals affected with TNNI3K-related conditions. ClinVar contains an entry for this variant (Variation ID: 1967546). Advanced modeling of protein sequence and biophysical properties (such as structural, functional, and spatial information, amino acid conservation, physicochemical variation, residue mobility, and thermodynamic stability) has been performed at Invitae for this missense variant, however the output from this modeling did not meet the statistical confidence thresholds required to predict the impact of this variant on TNNI3K protein function. In summary, the available evidence is currently insufficient to determine the role of this variant in disease. Therefore, it has been classified as a Variant of Uncertain Significance.